The following is an entry in ClinVar:

NM_020207.7(ERCC6L2):c.4384A>G (p.Lys1462Glu)

Gene: ERCC6L2 (ERCC excision repair 6 like 2; plus strand). Cytogenetic location: 9q22.32.
Variant type: single nucleotide variant.
Coding change: c.4384A>G on transcript NM_020207.7 (MANE Select); coding-DNA position 4384, A replaced by G.
Protein change: p.Lys1462Glu; replaces lysine 1462 with glutamic acid.
Molecular consequence: missense variant. On other transcripts: non-coding transcript variant (1), intron variant (2).
Genome position (GRCh38, 1-based): chr9:96,012,934, A>G. VCF-style: chr9-96012934-A-G. GRCh37 (hg19) VCF-style: chr9-98775216-A-G.
Other names: c.3674+8233A>G (NM_001375291.1, NM_001375292.1); short protein forms K1462E.
Identifiers: ClinVar variation 1972866 (VCV001972866.5), dbSNP rs2490776026, ClinGen allele CA466123400.

ClinVar aggregate classification (germline): Uncertain significance (1 of 4 stars; one submission).

gnomAD v4.1: 1 of 1,367,502 alleles (0.000073%); highest among the groups gnomAD compares: Non-Finnish European, 0.000098%; no homozygotes.

Submission:

Labcorp Genetics (formerly Invitae), Labcorp
Classification: Uncertain significance. Last evaluated: 2022-08-21. Review status: criteria provided, single submitter. Criteria: Invitae Variant Classification Sherloc (09022015). Collection method: clinical testing. Allele origin: germline.
Comment: This sequence change replaces lysine, which is basic and polar, with glutamic acid, which is acidic and polar, at codon 1473 of the ERCC6L2 protein (p.Lys1473Glu). This variant is not present in population databases (gnomAD no frequency). This variant has not been reported in the literature in individuals affected with ERCC6L2-related conditions. Algorithms developed to predict the effect of missense changes on protein structure and function are either unavailable or do not agree on the potential impact of this missense change (SIFT: "Tolerated"; PolyPhen-2: "Not Available"; Align-GVGD: "Class C0"). In summary, the available evidence is currently insufficient to determine the role of this variant in disease. Therefore, it has been classified as a Variant of Uncertain Significance.